The following is an entry in ClinVar:

ClinVar aggregate classification (germline): Uncertain significance (1 of 4 stars; one submission).

gnomAD v4.1: 2 of 1,614,182 alleles (0.00012%); highest among the groups gnomAD compares: South Asian, 0.0022%; no homozygotes.

Submission:

Labcorp Genetics (formerly Invitae), Labcorp
Classification: Uncertain significance. Last evaluated: 2024-01-01. Review status: criteria provided, single submitter. Criteria: Invitae Variant Classification Sherloc (09022015). Collection method: clinical testing. Allele origin: germline.
Comment: This sequence change replaces aspartic acid, which is acidic and polar, with asparagine, which is neutral and polar, at codon 990 of the ALPK1 protein (p.Asp990Asn). This variant is not present in population databases (gnomAD no frequency). This variant has not been reported in the literature in individuals affected with ALPK1-related conditions. Advanced modeling of protein sequence and biophysical properties (such as structural, functional, and spatial information, amino acid conservation, physicochemical variation, residue mobility, and thermodynamic stability) performed at Invitae indicates that this missense variant is not expected to disrupt ALPK1 protein function with a negative predictive value of 80%. In summary, the available evidence is currently insufficient to determine the role of this variant in disease. Therefore, it has been classified as a Variant of Uncertain Significance.

NM_025144.4(ALPK1):c.2968G>A (p.Asp990Asn)

Gene: ALPK1 (alpha kinase 1; plus strand). Cytogenetic location: 4q25.
Variant type: single nucleotide variant.
Coding change: c.2968G>A on transcript NM_025144.4 (MANE Select); coding-DNA position 2968, G replaced by A.
Protein change: p.Asp990Asn; replaces aspartic acid 990 with asparagine.
Molecular consequence: missense variant.
Genome position (GRCh38, 1-based): chr4:112,432,515, G>A. VCF-style: chr4-112432515-G-A. GRCh37 (hg19) VCF-style: chr4-113353671-G-A.
Other names: c.2968G>A, p.Asp990Asn (NM_001102406.2); c.2734G>A, p.Asp912Asn (NM_001253884.2); short protein forms D912N, D990N.
Identifiers: ClinVar variation 2978219 (VCV002978219.3), dbSNP rs757823866, ClinGen allele CA357902939.